The following is an entry in ClinVar:

ClinVar aggregate classification (germline): Pathogenic/Likely pathogenic. Review status: criteria provided, multiple submitters, no conflicts (2 of 4 stars). 12 submissions from 12 submitters: Pathogenic (6); Likely pathogenic (3). 3 of the submissions do not count toward it. Last evaluated 2024-09-16.

Conditions:
FANCA-related disorder. Also called: FANCA-related condition.
Fanconi anemia complementation group A (FANCA). Also called: FANCA-Related Fanconi Anemia; Fanconi anemia, group A. Identifiers: Orphanet 84, MedGen C3469521, MONDO:0009215, OMIM 227650.
FANCA-related disorders.
Fanconi anemia (FA). Also called: Fanconi's anemia. Identifiers: Orphanet 84, MedGen C0015625, MeSH D005199, MONDO:0019391.

Allele frequency attached by ClinVar (database versions not stated): gnomAD 0.00001; TOPMed 0.00001.
gnomAD v4.1: 3 of 1,613,982 alleles (0.00019%); highest among the groups gnomAD compares: Non-Finnish European, 0.00025%; no homozygotes.

Submissions (12):

Labcorp Genetics (formerly Invitae), Labcorp
Classification: Pathogenic for Fanconi anemia. Last evaluated: 2024-09-16. Review status: criteria provided, single submitter. Criteria: Invitae Variant Classification Sherloc (09022015). Collection method: clinical testing. Allele origin: germline.
Comment: This sequence change creates a premature translational stop signal (p.Gln286*) in the FANCA gene. It is expected to result in an absent or disrupted protein product. Loss-of-function variants in FANCA are known to be pathogenic (PMID: 19367192). This variant is not present in population databases (gnomAD no frequency). This premature translational stop signal has been observed in individual(s) with Fanconi anemia (PMID: 10094191, 12697994). ClinVar contains an entry for this variant (Variation ID: 552738). Algorithms developed to predict the effect of sequence changes on RNA splicing suggest that this variant may disrupt the consensus splice site. For these reasons, this variant has been classified as Pathogenic.

CeGaT Center for Human Genetics Tuebingen
Classification: Pathogenic. Last evaluated: 2024-09-01. Review status: criteria provided, single submitter. Criteria: CeGaT Center For Human Genetics Tuebingen Variant Classification Criteria Version 2. Collection method: clinical testing. Allele origin: germline. Affected: yes. Observed: 3 variant alleles.
Comment: FANCA: PVS1, PM2, PM3

Natera, Inc.
Classification: Pathogenic for Fanconi anemia. Last evaluated: 2024-05-29. Review status: criteria provided, single submitter. Criteria: Natera Variant Classification Schema (03/2026). Collection method: clinical testing. Allele origin: germline.
Comment: The c.856C>T variant in FANCA is a nonsense variant predicted to introduce a stop codon at amino acid 286. This variant is expected to result in nonsense mediated decay, truncation, or a dysfunctional protein product. This variant is rare in the general population with a frequency below the threshold expected for the associated phenotype(s). This variant has been observed in one or more individuals affected with the associated recessive disease, as either homozygous or compound heterozygous with a second variant (PMID: 37865086). Given the available evidence, this variant is classified as Pathogenic.

Fulgent Genetics
Classification: Likely pathogenic for Fanconi anemia complementation group A. Last evaluated: 2024-05-20. Review status: criteria provided, single submitter. Criteria: ACMG Guidelines, 2015. Collection method: clinical testing. Allele origin: germline.

Baylor Genetics
Classification: Likely pathogenic for Fanconi anemia complementation group A. Last evaluated: 2022-06-21. Review status: criteria provided, single submitter. Criteria: ACMG Guidelines, 2015. Collection method: clinical testing. Allele origin: unknown.

Institute for Clinical Genetics, University Hospital TU Dresden, University Hospital TU Dresden
Classification: Pathogenic. Last evaluated: 2021-11-03. Review status: criteria provided, single submitter. Criteria: ACMG Guidelines, 2015. Collection method: clinical testing. Allele origin: germline.

Blueprint Genetics
Classification: Pathogenic for FANCA-related disorders. Last evaluated: 2021-07-05. Review status: criteria provided, single submitter. Criteria: ACMG Guidelines, 2015. Collection method: clinical testing. Allele origin: germline. Affected: yes. Observed: 1 variant allele.

Revvity Omics, Revvity
Classification: Likely pathogenic for Fanconi anemia complementation group A. Last evaluated: 2019-04-26. Review status: criteria provided, single submitter. Criteria: ACMG Guidelines, 2015. Collection method: clinical testing. Allele origin: germline.

Centre for Mendelian Genomics, University Medical Centre Ljubljana
Classification: Pathogenic for Fanconi anemia complementation group A. Last evaluated: 2019-02-20. Review status: criteria provided, single submitter. Criteria: ACMG Guidelines, 2015. Collection method: clinical testing. Allele origin: unknown. Affected: yes.
Comment: This variant was classified as: Pathogenic. The following ACMG criteria were applied in classifying this variant: PVS1,PM2,PP5.

PreventionGenetics, part of Exact Sciences
Classification: Pathogenic for FANCA-related condition. Last evaluated: 2024-03-12. Review status: no assertion criteria provided. Collection method: clinical testing. Allele origin: germline. Not counted in ClinVar's aggregate classification.
Comment: The FANCA c.856C>T variant is predicted to result in premature protein termination (p.Gln286*). This variant was reported in an individual with Fanconi anemia (Wijker et al 1999. PubMed ID: 10094191). This variant has not been reported in a large population database, indicating this variant is rare. Nonsense variants in FANCA are expected to be pathogenic. This variant is interpreted as pathogenic.

Leiden Open Variation Database
Classification: Pathogenic for Fanconi anemia complementation group A. Last evaluated: 2020-02-28. Review status: no assertion criteria provided. Collection method: curation. Allele origin: germline. Affected: yes. Not counted in ClinVar's aggregate classification.
Comment: Curator: Arleen D. Auerbach. Submitter to LOVD: Arleen D. Auerbach.

Counsyl
Classification: Likely pathogenic for Fanconi anemia complementation group A. Last evaluated: 2017-07-05. Review status: no assertion criteria provided. Collection method: clinical testing. Allele origin: unknown. Not counted in ClinVar's aggregate classification.

Literature cited by the submitters: PubMed 19367192 (cited by Labcorp Genetics (formerly Invitae), Labcorp); PubMed 10094191 (cited by Labcorp Genetics (formerly Invitae), Labcorp and Leiden Open Variation Database); PubMed 12697994 (cited by Labcorp Genetics (formerly Invitae), Labcorp and Counsyl); PubMed 37865086 (cited by Natera, Inc.).

NM_000135.4(FANCA):c.856C>T (p.Gln286Ter)

Gene: FANCA (FA complementation group A; minus strand). Cytogenetic location: 16q24.3.
Variant type: single nucleotide variant.
Coding change: c.856C>T on transcript NM_000135.4 (MANE Select); coding-DNA position 856, C replaced by T.
Protein change: p.Gln286Ter; replaces glutamine 286 with a stop codon.
Molecular consequence: nonsense.
Genome position (GRCh38, 1-based): chr16:89,799,203, G>A on the plus strand (C>T on the coding strand, the complement: FANCA is on the minus strand). VCF-style: chr16-89799203-G-A. GRCh37 (hg19) VCF-style: chr16-89865611-G-A.
Other names: c.856C>T, p.Gln286Ter (NM_001018112.3, NM_001286167.3); c.760C>T, p.Gln254Ter (NM_001351830.2); c.856C>T (NM_000135.3, LRG_495t1); short protein forms Q286*, Q254*.
Identifiers: ClinVar variation 552738 (VCV000552738.64), dbSNP rs1291524243, ClinGen allele CA397473015.
Genomic context (GRCh38, chr16:89,799,203, plus strand): 5'-GCAGGCCACCCTCAGGAACATACCAGCACCTCACGATCTTGTGAGTGGAGGACTCCTCCT[G>A]TACTCCAGCAGCCAAAGCGTCAAGTGCAACTGAAGACAGAGCCAGGAACAGAAAACAGAT-3'